The following is an entry in ClinVar:

ClinVar aggregate classification (germline): Benign/Likely benign. Review status: criteria provided, multiple submitters, no conflicts (2 of 4 stars). 8 submissions from 8 submitters: Benign (3); Likely benign (2). 3 of the submissions do not count toward it. Last evaluated 2026-02-04.

Conditions:
Mitochondrial complex IV deficiency, nuclear type 1 (MC4DN1). Also called: COX DEFICIENCY; Mitochondrial complex IV deficiency; Complex 4 mitochondrial respiratory chain deficiency; Deficiency of mitochondrial respiratory chain complex4; Complex IV deficiency. Identifiers: MedGen C5435656, MONDO:0700250, OMIM 220110. Disease mechanism: loss of function.
Charcot-Marie-Tooth disease type 4K. Also called: CHARCOT-MARIE-TOOTH DISEASE, DEMYELINATING, AUTOSOMAL RECESSIVE, TYPE 4K; CHARCOT-MARIE-TOOTH NEUROPATHY, DEMYELINATING, AUTOSOMAL RECESSIVE, TYPE 4K; CHARCOT-MARIE-TOOTH DISEASE, DEMYELINATING, TYPE 4K. Identifiers: Orphanet 391351, MedGen C4225246, MONDO:0014733, OMIM 616684.
Leigh syndrome (NULS). Also called: Leigh's syndrome; Leigh Disease; Subacute necrotizing encephalopathy; Necrotizing encephalopathy infantile subacute of Leigh; Leigh's necrotizing encephalopathy; Leigh's disease. Identifiers: Orphanet 506, MedGen C2931891, MONDO:0009723, OMIM 256000.

Allele frequency attached by ClinVar (database versions not stated): 1000 Genomes Project 0.04173; 1000 Genomes Project 30x 0.04403; TOPMed 0.05229; ESP Exome Variant Server 0.05422; gnomAD 0.05492.
gnomAD v4.1: 66,422 of 1,613,240 alleles (4.1%); highest among the groups gnomAD compares: African/African-American, 9.1%; 1,677 homozygotes.

Submissions (8):

Labcorp Genetics (formerly Invitae), Labcorp
Classification: Benign for Leigh syndrome. Last evaluated: 2026-02-04. Review status: criteria provided, single submitter. Criteria: Invitae Variant Classification Sherloc (09022015). Collection method: clinical testing. Allele origin: germline.

Fulgent Genetics
Classification: Likely benign for Mitochondrial complex IV deficiency, nuclear type 1; Charcot-Marie-Tooth disease type 4K. Last evaluated: 2021-10-08. Review status: criteria provided, single submitter. Criteria: ACMG Guidelines, 2015. Collection method: clinical testing. Allele origin: unknown.

Women's Health and Genetics/Laboratory Corporation of America, LabCorp
Classification: Benign. Last evaluated: 2018-12-13. Review status: criteria provided, single submitter. Criteria: LabCorp Variant Classification Summary - May 2015. Collection method: clinical testing. Allele origin: germline.
Comment: Variant summary: SURF1 c.573C>G alters a non-conserved nucleotide resulting in a synonymous change. 5/5 computational tools predict no significant impact on normal splicing. However, these predictions have yet to be confirmed by functional studies. The variant allele was found at a frequency of 0.041 in 275584 control chromosomes in the gnomAD database, including 294 homozygotes. The observed variant frequency is approximately 23 fold of the estimated maximal expected allele frequency for a pathogenic variant in SURF1 causing Leigh Syndrome phenotype (0.0018), strongly suggesting that the variant is benign. Three clinical diagnostic laboratories have submitted clinical-significance assessments for this variant to ClinVar after 2014 without evidence for independent evaluation. All laboratories classified the variant as benign/likely benign. Based on the evidence outlined above, the variant was classified as benign.

GeneDx
Classification: Benign. Last evaluated: 2011-07-06. Review status: criteria provided, single submitter. Criteria: GeneDx Variant Classification (06012015). Collection method: clinical testing. Allele origin: germline. Affected: yes.
Comment: This variant is considered likely benign or benign based on one or more of the following criteria: it is a conservative change, it occurs at a poorly conserved position in the protein, it is predicted to be benign by multiple in silico algorithms, and/or has population frequency not consistent with disease.

Breakthrough Genomics
Classification: Likely benign. Review status: criteria provided, single submitter. Criteria: ACMG Guidelines, 2015. Collection method: not provided. Allele origin: germline. Inheritance: Autosomal recessive inheritance. Affected: yes.

Mayo Clinic Laboratories, Mayo Clinic
Classification: Benign. Last evaluated: 2016-02-25. Review status: no assertion criteria provided. Collection method: clinical testing. Allele origin: unknown. Not counted in ClinVar's aggregate classification.

Clinical Genetics, Academic Medical Center
Classification: Benign. Review status: no assertion criteria provided. Collection method: clinical testing. Allele origin: germline. Affected: yes. Study: VKGL Data-share Consensus. Not counted in ClinVar's aggregate classification.

Joint Genome Diagnostic Labs from Nijmegen and Maastricht, Radboudumc and MUMC+
Classification: Benign. Review status: no assertion criteria provided. Collection method: clinical testing. Allele origin: germline. Affected: yes. Study: VKGL Data-share Consensus. Not counted in ClinVar's aggregate classification.

NM_003172.4(SURF1):c.573C>G (p.Thr191=)

Gene: SURF1 (SURF1 cytochrome c oxidase assembly factor; minus strand). Cytogenetic location: 9q34.2.
Variant type: single nucleotide variant.
Coding change: c.573C>G on transcript NM_003172.4 (MANE Select); coding-DNA position 573, C replaced by G.
Protein change: p.Thr191=; no amino-acid change (threonine 191 retained).
Molecular consequence: synonymous variant.
Genome position (GRCh38, 1-based): chr9:133,352,709, G>C on the plus strand (C>G on the coding strand, the complement: SURF1 is on the minus strand). VCF-style: chr9-133352709-G-C. GRCh37 (hg19) VCF-style: chr9-136219564-G-C.
Other names: p.T191T:ACC>ACG; c.246C>G, p.Thr82= (NM_001280787.1).
Identifiers: ClinVar variation 139374 (VCV000139374.28), dbSNP rs28715079, ClinGen allele CA293827.
Genomic context (GRCh38, chr9:133,352,709, plus strand): 5'-ACTCCCAGAGCCTTCTCTAAAGTAGGAAGAGTCCATGTCCCTTACCTGGCCTTTCTGCCG[G>C]GTTTCAGGATTCACTTTCTTCCTGGGAACGAACCCTCTATTTACCAGGATGGTGACTCTA-3'
Protein context (NP_003163.1, residues 181-201): FVPRKKVNPE[Thr191=]RQKGQIEGEV